The following is an entry in ClinVar:

NM_172107.4(KCNQ2):c.1118G>T (p.Ser373Ile)

Gene: KCNQ2 (potassium voltage-gated channel subfamily Q member 2; minus strand). Cytogenetic location: 20q13.33.
Variant type: single nucleotide variant.
Coding change: c.1118G>T on transcript NM_172107.4 (MANE Select); coding-DNA position 1118, G replaced by T.
Protein change: p.Ser373Ile; replaces serine 373 with isoleucine.
Molecular consequence: missense variant.
Genome position (GRCh38, 1-based): chr20:63,433,809, C>A on the plus strand (G>T on the coding strand, the complement: KCNQ2 is on the minus strand). VCF-style: chr20-63433809-C-A. GRCh37 (hg19) VCF-style: chr20-62065162-C-A.
Other names: c.1118G>T, p.Ser373Ile (NM_001382235.1, NM_172106.3, NM_172108.5); c.1118G>T, p.Arg373Ile (NM_004518.6); c.1118G>T, p.Arg373Met (NM_172109.3); short protein forms R373I, R373M, S373I.
Identifiers: ClinVar variation 1333324 (VCV001333324.1), dbSNP rs2145678974, ClinGen allele CA409651038.
Genomic context (GRCh38, chr20:63,433,809, plus strand): 5'-GAACAAATGGAAAATAAAAAATGAAACAGTTGCTTGGTGGCAGGTGCCCGGCGGCGGTAC[C>A]TGTACATGGGCACGGTGACCGTTCGCTCGTAGTACTGCCACGTGGAGTGCAGGTCTGTGC-3'
Protein context (NP_742105.1, residues 363-383): YERTVTVPMY[Ser373Ile]SQTQTYGASR

ClinVar aggregate classification (germline): Uncertain significance (1 of 4 stars; one submission).

Conditions:
Developmental and epileptic encephalopathy, 7 (DEE7). Also called: KCNQ2-Related Neonatal Epileptic Encephalopathy; KCNQ2-Related Neonatal-Onset Developmental and Epileptic Encephalopathy (NEO-DEE); Early infantile epileptic encephalopathy 7. Identifiers: Orphanet 439218, MedGen C3150986, MONDO:0013387, OMIM 613720.

Submission:

3billion
Classification: Uncertain significance for Developmental and epileptic encephalopathy, 7. Last evaluated: 2022-01-03. Review status: criteria provided, single submitter. Criteria: ACMG Guidelines, 2015. Collection method: clinical testing. Allele origin: germline. Affected: yes. Observed: 1 heterozygote.
Comment: The variant not observed in the gnomAD v2.1.1 dataset (PM2_M). In silico tool predictions suggest damaging effect of the variant on gene or gene product (REVEL: 0.73, SPLICEAI: 0.96>=0.8, PP3_P). A missense variant is a common mechanism associated with Epileptic encephalopathy (PP2_P). Therefore, this variant is classified as uncertain significance according to the recommendation of ACMG/AMP guideline.